The following is an entry in ClinVar:

NM_001300759.2(TRIM36):c.1331A>G (p.Asn444Ser)

Gene: TRIM36 (tripartite motif containing 36; minus strand). Cytogenetic location: 5q22.3.
Variant type: single nucleotide variant.
Coding change: c.1331A>G on transcript NM_001300759.2 (MANE Select); coding-DNA position 1331, A replaced by G.
Protein change: p.Asn444Ser; replaces asparagine 444 with serine.
Molecular consequence: missense variant.
Genome position (GRCh38, 1-based): chr5:115,134,027, T>C on the plus strand (A>G on the coding strand, the complement: TRIM36 is on the minus strand). VCF-style: chr5-115134027-T-C. GRCh37 (hg19) VCF-style: chr5-114469724-T-C.
Other names: c.902A>G, p.Asn301Ser (NM_001300752.2); c.1367A>G, p.Asn456Ser (NM_018700.4); short protein forms N301S, N444S, N456S.
Identifiers: ClinVar variation 3060721 (VCV003060721.2), dbSNP rs17137481, ClinGen allele CA3373410.
Genomic context (GRCh38, chr5:115,134,027, plus strand): 5'-TGAATTATTTTACTTGTTCCACACACTTCTATCTCATTCCATGACATTTCATCATCTCTA[T>C]TGATTTTCCGATATTCAAGAACATAGCTATCAGCTTTATCCTTTTCTGGATGGTGCCAAT-3'
Protein context (NP_001287688.1, residues 434-454): DSYVLEYRKI[Asn444Ser]RDDEMSWNEI

ClinVar aggregate classification (germline): Benign (0 of 4 stars; one submission).

Conditions:
TRIM36-related disorder. Also called: TRIM36-related condition.

Allele frequency attached by ClinVar (database versions not stated): ESP Exome Variant Server 0.07452; gnomAD 0.10198; TOPMed 0.11200; ExAC 0.12022; 1000 Genomes Project 30x 0.19113; 1000 Genomes Project 0.19429.
gnomAD v4.1: 120,784 of 1,613,686 alleles (7.5%); highest among the groups gnomAD compares: East Asian, 33%; 8,630 homozygotes.

Submission:

PreventionGenetics, part of Exact Sciences
Classification: Benign for TRIM36-related condition. Last evaluated: 2019-11-06. Review status: no assertion criteria provided. Collection method: clinical testing. Allele origin: germline.
Comment: This variant is classified as benign based on ACMG/AMP sequence variant interpretation guidelines (Richards et al. 2015 PMID: 25741868, with internal and published modifications).